The following is an entry in ClinVar:

NM_000065.5(C6):c.1075G>A (p.Asp359Asn)

Gene: C6 (complement C6; minus strand). Cytogenetic location: 5p13.1.
Variant type: single nucleotide variant.
Coding change: c.1075G>A on transcript NM_000065.5 (MANE Select); coding-DNA position 1075, G replaced by A.
Protein change: p.Asp359Asn; replaces aspartic acid 359 with asparagine.
Molecular consequence: missense variant.
Genome position (GRCh38, 1-based): chr5:41,176,568, C>T on the plus strand (G>A on the coding strand, the complement: C6 is on the minus strand). VCF-style: chr5-41176568-C-T. GRCh37 (hg19) VCF-style: chr5-41176670-C-T.
Other names: c.1075G>A, p.Asp359Asn (NM_001115131.4); short protein forms D359N.
Identifiers: ClinVar variation 2077846 (VCV002077846.3), dbSNP rs373781885, ClinGen allele CA3252577.
Genomic context (GRCh38, chr5:41,176,568, plus strand): 5'-AGAGAAGGTCATACACGCCTCCCAGGGAGCCAGAGGTGAAGTAATGAGTCCCAAAGTCAT[C>T]GAATATTCGGCTGTACAAAGCAGAGTTGTATTCTAGAGGCAGATGGTTAAGTGCTTTCAA-3'
Protein context (NP_000056.2, residues 349-369): YNSALYSRIF[Asp359Asn]DFGTHYFTSG

ClinVar aggregate classification (germline): Uncertain significance (1 of 4 stars; one submission).

Allele frequency attached by ClinVar (database versions not stated): TOPMed 0.00006; ESP Exome Variant Server 0.00015; 1000 Genomes Project 30x 0.00031; 1000 Genomes Project 0.00040.
gnomAD v4.1: 146 of 1,613,840 alleles (0.009%); highest among the groups gnomAD compares: Admixed American, 0.075%; no homozygotes.

Submission:

Labcorp Genetics (formerly Invitae), Labcorp
Classification: Uncertain significance. Last evaluated: 2026-01-19. Review status: criteria provided, single submitter. Criteria: Invitae Variant Classification Sherloc (09022015). Collection method: clinical testing. Allele origin: germline.
Comment: This sequence change replaces aspartic acid, which is acidic and polar, with asparagine, which is neutral and polar, at codon 359 of the C6 protein (p.Asp359Asn). This variant is present in population databases (rs373781885, gnomAD 0.1%). This missense change has been observed in individual(s) with primary immunodeficiency disorder (PMID: 30290665). ClinVar contains an entry for this variant (Variation ID: 2077846). An algorithm developed to predict the effect of missense changes on protein structure and function (PolyPhen-2) suggests that this variant is likely to be tolerated. In summary, the available evidence is currently insufficient to determine the role of this variant in disease. Therefore, it has been classified as a Variant of Uncertain Significance.

Literature cited by the submitters: PubMed 30290665.